The following is an entry in ClinVar:

ClinVar aggregate classification (germline): Uncertain significance. Review status: criteria provided, multiple submitters, no conflicts (2 of 4 stars). 2 submissions from 2 submitters: Uncertain significance (2). Last evaluated 2026-03-19.

gnomAD v4.1: 1 of 1,599,810 alleles (0.000063%); highest among the groups gnomAD compares: Non-Finnish European, 0.000086%; no homozygotes.

Submissions (2):

GeneDx
Classification: Uncertain significance. Last evaluated: 2026-03-19. Review status: criteria provided, single submitter. Criteria: GeneDx Variant Classification Process June 2021. Collection method: clinical testing. Allele origin: germline.
Comment: Not observed at significant frequency in large population cohorts (gnomAD); In silico analysis supports a deleterious effect on splicing; In silico analysis suggests that this missense variant does not alter protein structure/function; Reported in the heterozygous state in a patient with nonsyndromic sensorineural hearing loss (PMID: 36515421); This variant is associated with the following publications: (PMID: 36515421)

Blueprint Genetics
Classification: Uncertain significance. Last evaluated: 2024-09-18. Review status: criteria provided, single submitter. Criteria: ACMG Guidelines, 2015. Collection method: clinical testing. Allele origin: germline.

NM_000899.5(KITLG):c.781A>G (p.Ser261Gly)

Gene: KITLG (KIT ligand; minus strand). Cytogenetic location: 12q21.32.
Variant type: single nucleotide variant.
Coding change: c.781A>G on transcript NM_000899.5 (MANE Select); coding-DNA position 781, A replaced by G.
Protein change: p.Ser261Gly; replaces serine 261 with glycine.
Molecular consequence: missense variant.
Genome position (GRCh38, 1-based): chr12:88,506,312, T>C on the plus strand (A>G on the coding strand, the complement: KITLG is on the minus strand). VCF-style: chr12-88506312-T-C. GRCh37 (hg19) VCF-style: chr12-88900089-T-C.
Other names: c.781A>G (NM_000899.4); c.697A>G, p.Ser233Gly (NM_003994.6); short protein forms S261G, S233G.
Identifiers: ClinVar variation 4917988 (VCV004917988.2).